The following is an entry in ClinVar:

ClinVar aggregate classification (germline): Uncertain significance. Review status: criteria provided, multiple submitters, no conflicts (2 of 4 stars). 6 submissions from 6 submitters: Uncertain significance (6). Last evaluated 2025-10-28.

Conditions:
Hemorrhage, intracerebral, susceptibility to (ICH). Also called: Stroke, hemorrhagic, susceptibility to. Identifiers: MedGen C3281105, MONDO:0100533, OMIM 614519.
Autosomal dominant familial hematuria-retinal arteriolar tortuosity-contractures syndrome. Also called: Angiopathy, hereditary, with nephropathy, aneurysms, and muscle cramps; Hereditary Angiopathy with Nephropathy, Aneurysms, and Muscle Cramps (HANAC) Syndrome. Identifiers: Orphanet 73229, MedGen C2673195, MONDO:0012726, OMIM 611773.
Retinal arterial tortuosity. Also called: RETINAL HEMORRHAGE WITH VASCULAR TORTUOSITY; Retinal arteries, tortuosity of. Identifiers: Orphanet 75326, MedGen C0423401, MONDO:0008373, OMIM 180000, HP:0000631.
Brain small vessel disease 1 with or without ocular anomalies (BSVD1). Also called: PORENCEPHALY, TYPE 1, AUTOSOMAL DOMINANT; GOULD SYNDROME 1; Brain small vessel disease with or without ocular anomalies; BRAIN SMALL VESSEL DISEASE WITH HEMORRHAGE. Identifiers: Orphanet 2940, Orphanet 36383, Orphanet 99810, MedGen C4755307, MONDO:0008289, OMIM 175780.
Microangiopathy and leukoencephalopathy, pontine, autosomal dominant. Also called: Pontine autosomal dominant microangiopathy with leukoencephalopathy; DEMENTIA, HEREDITARY MULTI-INFARCT, SWEDISH TYPE. Identifiers: Orphanet 477749, MedGen C5231411, MONDO:0032814, OMIM 618564.

Allele frequency attached by ClinVar (database versions not stated): gnomAD exomes 0.00005; ExAC 0.00007; gnomAD 0.00013 and 0.00014; 1000 Genomes Project 30x 0.00016; 1000 Genomes Project 0.00020; ESP Exome Variant Server 0.00023.
gnomAD v4.1: 63 of 1,613,586 alleles (0.0039%); highest among the groups gnomAD compares: African/African-American, 0.039%; no homozygotes.

Submissions (6):

Labcorp Genetics (formerly Invitae), Labcorp
Classification: Uncertain significance. Last evaluated: 2025-10-28. Review status: criteria provided, single submitter. Criteria: Invitae Variant Classification Sherloc (09022015). Collection method: clinical testing. Allele origin: germline.
Comment: This sequence change replaces proline, which is neutral and non-polar, with leucine, which is neutral and non-polar, at codon 485 of the COL4A1 protein (p.Pro485Leu). This variant is present in population databases (rs142177702, gnomAD 0.03%). This variant has not been reported in the literature in individuals affected with COL4A1-related conditions. ClinVar contains an entry for this variant (Variation ID: 1497859). Invitae Evidence Modeling of protein sequence and biophysical properties (such as structural, functional, and spatial information, amino acid conservation, physicochemical variation, residue mobility, and thermodynamic stability) indicates that this missense variant is not expected to disrupt COL4A1 protein function with a negative predictive value of 95%. In summary, the available evidence is currently insufficient to determine the role of this variant in disease. Therefore, it has been classified as a Variant of Uncertain Significance.

Fulgent Genetics
Classification: Uncertain significance for Brain small vessel disease 1 with or without ocular anomalies; Retinal arterial tortuosity; Autosomal dominant familial hematuria-retinal arteriolar tortuosity-contractures syndrome; Hemorrhage, intracerebral, susceptibility to; Microangiopathy and leukoencephalopathy, pontine, autosomal dominant. Last evaluated: 2024-03-29. Review status: criteria provided, single submitter. Criteria: ACMG Guidelines, 2015. Collection method: clinical testing. Allele origin: germline.

Blueprint Genetics
Classification: Uncertain significance. Last evaluated: 2024-01-12. Review status: criteria provided, single submitter. Criteria: ACMG Guidelines, 2015. Collection method: clinical testing. Allele origin: germline.

Revvity Omics, Revvity
Classification: Uncertain significance. Last evaluated: 2023-08-29. Review status: criteria provided, single submitter. Criteria: ACMG Guidelines, 2015. Collection method: clinical testing. Allele origin: germline.

GeneDx
Classification: Uncertain significance. Last evaluated: 2023-06-21. Review status: criteria provided, single submitter. Criteria: GeneDx Variant Classification Process June 2021. Collection method: clinical testing. Allele origin: germline.
Comment: Has not been previously published as pathogenic or benign to our knowledge; In silico analysis supports that this missense variant has a deleterious effect on protein structure/function; Occurs in the triple helical domain at the Y position in the canonical Gly-X-Y repeat; although this variant may have an effect on normal protein folding and function, missense substitution at the Y position is not a common mechanism of disease

Mayo Clinic Laboratories, Mayo Clinic
Classification: Uncertain significance. Last evaluated: 2022-05-27. Review status: criteria provided, single submitter. Criteria: ACMG Guidelines, 2015. Collection method: clinical testing. Allele origin: germline. Observed: 1 variant allele.

NM_001845.6(COL4A1):c.1454C>T (p.Pro485Leu)

Gene: COL4A1 (collagen type IV alpha 1 chain; minus strand). Cytogenetic location: 13q34.
Variant type: single nucleotide variant.
Coding change: c.1454C>T on transcript NM_001845.6 (MANE Select); coding-DNA position 1454, C replaced by T.
Protein change: p.Pro485Leu; replaces proline 485 with leucine.
Molecular consequence: missense variant.
Genome position (GRCh38, 1-based): chr13:110,192,841, G>A on the plus strand (C>T on the coding strand, the complement: COL4A1 is on the minus strand). VCF-style: chr13-110192841-G-A. GRCh37 (hg19) VCF-style: chr13-110845188-G-A.
Other names: p.Pro485Leu; c.1454C>T, p.Pro485Leu (NM_001303110.2); c.1454C>T (NM_001845.5); short protein forms P485L.
Identifiers: ClinVar variation 1497859 (VCV001497859.16), dbSNP rs142177702, ClinGen allele CA7047932.